The following is an entry in ClinVar:

ClinVar aggregate classification (germline): Conflicting classifications of pathogenicity. Review status: criteria provided, conflicting classifications (1 of 4 stars). 7 submissions from 7 submitters: Pathogenic (1); Uncertain significance (6). Last evaluated 2026-06-18.

Conditions:
Cardiovascular phenotype. Identifiers: MedGen CN230736.
Cardiomyopathy (CMYO). Also called: Cardiomyopathies. Identifiers: Orphanet 167848, MedGen C0878544, MONDO:0004994, HP:0001638. Inheritance: Various modes of inheritance.
Hypertrophic cardiomyopathy. Also called: HYPERTROPHIC MYOCARDIOPATHY. Identifiers: Orphanet 217569, MedGen C0007194, MeSH D002312, MONDO:0005045, HP:0001639.

Allele frequency attached by ClinVar (database versions not stated): gnomAD exomes below 0.00001; gnomAD 0.00001; TOPMed below 0.00001.
gnomAD v4.1: 10 of 1,612,816 alleles (0.00062%); highest among the groups gnomAD compares: African/African-American, 0.0013%; no homozygotes.

Submissions (7):

Ambry Genetics
Classification: Uncertain significance for Cardiovascular phenotype. Last evaluated: 2026-06-18. Review status: criteria provided, single submitter. Criteria: Ambry Variant Classification Scheme 2023. Collection method: clinical testing. Allele origin: germline.
Comment: The p.R1396W variant (also known as c.4186C>T), located in coding exon 29 of the MYH7 gene, results from a C to T substitution at nucleotide position 4186. The arginine at codon 1396 is replaced by tryptophan, an amino acid with dissimilar properties. This variant was reported in individual(s) with variable cardiac phenotypes, including hypertrophic cardiomyopathy (HCM), dilated cardiomyopathy (DCM), and left ventricular non-compaction (LVNC) (Harper AR et al. Nat Genet, 2021 Feb;53:135-142; Kim OH et al. BMC Med Genomics, 2024 Sep;17:225; Kurt H et al. Eur Heart J Case Rep, 2026 Feb;10:ytag105). This variant was determined to be de novo in one individual with some features consistent with skeletal myopathy (external communication). This amino acid position is highly conserved in available vertebrate species. In addition, this alteration is predicted to be deleterious by in silico analysis. Based on the available evidence, the clinical significance of this variant remains unclear.

Labcorp Genetics (formerly Invitae), Labcorp
Classification: Pathogenic for Hypertrophic cardiomyopathy. Last evaluated: 2025-12-03. Review status: criteria provided, single submitter. Criteria: Invitae Variant Classification Sherloc (09022015). Collection method: clinical testing. Allele origin: germline.
Comment: This sequence change replaces arginine, which is basic and polar, with tryptophan, which is neutral and slightly polar, at codon 1396 of the MYH7 protein (p.Arg1396Trp). This variant is present in population databases (rs730880793, gnomAD 0.006%). This missense change has been observed in individual(s) with clinical features of autosomal dominant distal myopathy (internal data). In at least one individual the variant was observed to be de novo. ClinVar contains an entry for this variant (Variation ID: 181246). Invitae Evidence Modeling of protein sequence and biophysical properties (such as structural, functional, and spatial information, amino acid conservation, physicochemical variation, residue mobility, and thermodynamic stability) indicates that this missense variant is expected to disrupt MYH7 protein function with a positive predictive value of 95%. For these reasons, this variant has been classified as Pathogenic.

All of Us Research Program, National Institutes of Health
Classification: Uncertain significance for Cardiomyopathy. Last evaluated: 2024-07-10. Review status: criteria provided, single submitter. Criteria: ACMG Guidelines, 2015. Collection method: clinical testing. Allele origin: germline. Inheritance: Autosomal dominant inheritance. Observed: 1 variant allele, 1 heterozygote.
Comment: This missense variant replaces arginine with tryptophan at codon 1396 of the MYH7 protein. Computational prediction tools indicate that this variant's impact on protein structure and function is inconclusive. To our knowledge, functional studies have not been reported for this variant. This variant has not been reported in individuals affected with MYH7-related disorders in the literature. This variant has been identified in 1/251230 chromosomes in the general population by the Genome Aggregation Database (gnomAD). The available evidence is insufficient to determine the role of this variant in disease conclusively. Therefore, this variant is classified as a Variant of Uncertain Significance.

This study involves interpretation of variants in research participants for the purpose of population health screening. Participant phenotype was not available at the time of variant classification. Additional details can be found in publication PMID: 35346344, PMCID: PMC8962531

Color Diagnostics, LLC DBA Color Health
Classification: Uncertain significance for Cardiomyopathy. Last evaluated: 2024-06-19. Review status: criteria provided, single submitter. Criteria: ACMG Guidelines, 2015. Collection method: clinical testing. Allele origin: germline.
Comment: This missense variant replaces arginine with tryptophan at codon 1396 of the MYH7 protein. Computational prediction tools indicate that this variant's impact on protein structure and function is inconclusive. To our knowledge, functional studies have not been reported for this variant. This variant has not been reported in individuals affected with MYH7-related disorders in the literature. This variant has been identified in 1/251230 chromosomes in the general population by the Genome Aggregation Database (gnomAD). The available evidence is insufficient to determine the role of this variant in disease conclusively. Therefore, this variant is classified as a Variant of Uncertain Significance.

Clinical Genetics Laboratory, Skane University Hospital Lund
Classification: Uncertain significance. Last evaluated: 2024-02-05. Review status: criteria provided, single submitter. Criteria: ACMG Guidelines, 2015. Collection method: clinical testing. Allele origin: germline. Affected: yes.

Blueprint Genetics
Classification: Uncertain significance. Last evaluated: 2019-12-17. Review status: criteria provided, single submitter. Criteria: ACMG Guidelines, 2015. Collection method: clinical testing. Allele origin: germline.

GeneDx
Classification: Uncertain significance. Last evaluated: 2018-11-21. Review status: criteria provided, single submitter. Criteria: GeneDx Variant Classification (06012015). Collection method: clinical testing. Allele origin: germline. Affected: yes.
Comment: The R1396W variant of uncertain significance in the MYH7 gene has not been published as pathogenic or been reported as benign to our knowledge. R1396W is not observed at a significant frequency in large population cohorts (Lek et al., 2016). The R1396W variant is a non-conservative amino acid substitution, which is likely to impact secondary protein structure as these residues differ in polarity, charge, size and/or other properties. Moreover, in-silico analyses, including protein predictors and evolutionary conservation, support a deleterious effect. Nevertheless, no pathogenic missense variants in nearby residues have been reported in the Human Gene Mutation Database (Stenson et al., 2014).Therefore, based on the currently available information, it is unclear whether this variant is pathogenic or rare benign.

Literature cited by the submitters: PubMed 33495597 (cited by Ambry Genetics); PubMed 39237976 (cited by Ambry Genetics); PubMed 41728227 (cited by Ambry Genetics).

NM_000257.4(MYH7):c.4186C>T (p.Arg1396Trp)

Gene: MYH7 (myosin heavy chain 7; minus strand). Cytogenetic location: 14q11.2.
Variant type: single nucleotide variant.
Coding change: c.4186C>T on transcript NM_000257.4 (MANE Select); coding-DNA position 4186, C replaced by T.
Protein change: p.Arg1396Trp; replaces arginine 1396 with tryptophan.
Molecular consequence: missense variant.
Genome position (GRCh38, 1-based): chr14:23,417,670, G>A on the plus strand (C>T on the coding strand, the complement: MYH7 is on the minus strand). VCF-style: chr14-23417670-G-A. GRCh37 (hg19) VCF-style: chr14-23886879-G-A.
Other names: p.R1396W:CGG>TGG; c.4186C>T (LRG_384t1); short protein forms R1396W.
Identifiers: ClinVar variation 181246 (VCV000181246.22), dbSNP rs730880793, ClinGen allele CA014576.